The following is an entry in ClinVar:

NM_020759.3(STARD9):c.1258A>G (p.Asn420Asp)

Gene: STARD9 (StAR related lipid transfer domain containing 9; plus strand). Cytogenetic location: 15q15.2.
Variant type: single nucleotide variant.
Coding change: c.1258A>G on transcript NM_020759.3 (MANE Select); coding-DNA position 1258, A replaced by G.
Protein change: p.Asn420Asp; replaces asparagine 420 with aspartic acid.
Molecular consequence: missense variant.
Genome position (GRCh38, 1-based): chr15:42,665,789, A>G. VCF-style: chr15-42665789-A-G. GRCh37 (hg19) VCF-style: chr15-42957987-A-G.
Other names: short protein forms N420D.
Identifiers: ClinVar variation 4865186 (VCV004865186.1).

ClinVar aggregate classification (germline): Uncertain significance (1 of 4 stars; one submission).

gnomAD v4.1: 11 of 1,537,156 alleles (0.00072%); highest among the groups gnomAD compares: Non-Finnish European, 0.00096%; no homozygotes.

Submission:

Ambry Genetics
Classification: Uncertain significance. Last evaluated: 2026-06-03. Review status: criteria provided, single submitter. Criteria: Ambry Variant Classification Scheme 2023. Collection method: clinical testing. Allele origin: germline.
Comment: The c.1258A>G (p.N420D) alteration is located in exon 15 (coding exon 15) of the STARD9 gene. This alteration results from a A to G substitution at nucleotide position 1258, causing the asparagine (N) at amino acid position 420 to be replaced by an aspartic acid (D). Based on data from gnomAD, the G allele has an overall frequency of 0.001% (1/139252) total alleles studied. The highest observed frequency was 0.002% (1/55732) of European (non-Finnish) alleles. Based on insufficient or conflicting evidence, the clinical significance of this alteration remains unclear.